The following is an entry in ClinVar:

ClinVar aggregate classification (germline): Uncertain significance. Review status: criteria provided, multiple submitters, no conflicts (2 of 4 stars). 3 submissions from 3 submitters: Uncertain significance (3). Last evaluated 2026-05-18.

Conditions:
TTN-related disorder. Also called: TTN-related disorders; TTN-related condition; TTN-related disease.
Autosomal recessive limb-girdle muscular dystrophy type 2J (LGMDR10). Also called: Limb-girdle muscular dystrophy, type 2J; MUSCULAR DYSTROPHY, LIMB-GIRDLE, AUTOSOMAL RECESSIVE 10. Identifiers: Orphanet 140922, MedGen C1837342, MONDO:0012127, OMIM 608807.
Dilated cardiomyopathy 1G (CMD1G). Identifiers: Orphanet 154, MedGen C1858763, MONDO:0011400, OMIM 604145.

Allele frequency attached by ClinVar (database versions not stated): TOPMed 0.00003; gnomAD 0.00004.
gnomAD v4.1: 41 of 1,608,998 alleles (0.0025%); highest among the groups gnomAD compares: African/African-American, 0.011%; 1 homozygote.

Submissions (3):

PreventionGenetics, part of Exact Sciences
Classification: Uncertain significance for TTN-related condition. Last evaluated: 2026-05-18. Review status: criteria provided, single submitter. Criteria: ACMG Guidelines, 2015. Collection method: clinical testing. Allele origin: germline.
Comment: The TTN c.41309C>T variant is predicted to result in the amino acid substitution p.Thr13770Met. To our knowledge, this variant has not been reported in the literature. This variant is reported in 0.0083% of alleles in individuals of African descent in gnomAD. At this time, the clinical significance of this variant is uncertain due to the absence of conclusive functional and genetic evidence.

Revvity Omics, Revvity
Classification: Uncertain significance. Last evaluated: 2021-03-23. Review status: criteria provided, single submitter. Criteria: ACMG Guidelines, 2015. Collection method: clinical testing. Allele origin: germline.

Labcorp Genetics (formerly Invitae), Labcorp
Classification: Uncertain significance for Dilated cardiomyopathy 1G; Autosomal recessive limb-girdle muscular dystrophy type 2J. Last evaluated: 2016-07-16. Review status: criteria provided, single submitter. Criteria: Invitae Variant Classification Sherloc (09022015). Collection method: clinical testing. Allele origin: germline.

NM_001267550.2(TTN):c.41309C>T (p.Thr13770Met)

Gene: TTN (titin; minus strand). Cytogenetic location: 2q31.2.
Variant type: single nucleotide variant.
Coding change: c.41309C>T on transcript NM_001267550.2 (MANE Select); coding-DNA position 41309, C replaced by T.
Protein change: p.Thr13770Met; replaces threonine 13770 with methionine.
Molecular consequence: missense variant.
Genome position (GRCh38, 1-based): chr2:178,636,418, G>A on the plus strand (C>T on the coding strand, the complement: TTN is on the minus strand). VCF-style: chr2-178636418-G-A. GRCh37 (hg19) VCF-style: chr2-179501145-G-A.
Other names: c.36386C>T, p.Thr12129Met (NM_001256850.1); c.14114C>T, p.Thr4705Met (NM_003319.4); c.33605C>T, p.Thr11202Met (NM_133378.4); c.14489C>T, p.Thr4830Met (NM_133432.3); c.14690C>T, p.Thr4897Met (NM_133437.4); short protein forms T13770M, T11202M, T12129M, T4897M, T4705M, T4830M.
Identifiers: ClinVar variation 404950 (VCV000404950.7), dbSNP rs774214497, ClinGen allele CA1996292.
Genomic context (GRCh38, chr2:178,636,418, plus strand): 5'-AAAGTTTAATATAGATTATGTTCAGAAGACTAGAAATTACCTTCTACAACAAGTTTAGCC[G>A]TGGAGGTCTTTTCTTTGTTTCCCAAACGTAAAACACAGGTGTATTCACCAGCATCGGAAA-3'
Protein context (NP_001254479.2, residues 13760-13780): LRLGNKEKTS[Thr13770Met]AKLVVEELPV